The following is an entry in ClinVar:

ClinVar aggregate classification (germline): Uncertain significance. Review status: criteria provided, multiple submitters, no conflicts (2 of 4 stars). 2 submissions from 2 submitters: Uncertain significance (2). Last evaluated 2025-08-01.

Conditions:
Primary ciliary dyskinesia. Also called: Ciliary dyskinesia. Identifiers: Orphanet 244, MedGen C0008780, MONDO:0016575, HP:0012265.

Allele frequency attached by ClinVar (database versions not stated): gnomAD 0.00003; ExAC 0.00002; TOPMed 0.00002.
gnomAD v4.1: 18 of 1,613,994 alleles (0.0011%); highest among the groups gnomAD compares: Admixed American, 0.0017%; no homozygotes.

Submissions (2):

Ambry Genetics
Classification: Uncertain significance for Primary ciliary dyskinesia. Last evaluated: 2025-08-01. Review status: criteria provided, single submitter. Criteria: Ambry Variant Classification Scheme 2023. Collection method: clinical testing. Allele origin: germline.

Labcorp Genetics (formerly Invitae), Labcorp
Classification: Uncertain significance for Primary ciliary dyskinesia. Last evaluated: 2014-06-16. Review status: criteria provided, single submitter. Criteria: Invitae Variant Classification Sherloc (09022015). Collection method: clinical testing. Allele origin: germline.
Comment: This sequence change has not been reported in the literature and is not listed in the polymorphism databases. This sequence change is predicted to result in an amino acid substitution (p.Ser3786Asn). ¬†The Ser3786 is a highly conserved residue, although algorithms developed to predict the impact of missense changes on protein function (AlignGVGD, SIFT, MutationTaster) provide conflicting results for the Ser3786Asn change. In summary, this a novel missense change with unknown impact on protein function. ¬†It has been classified as a Variant of Uncertain Significance.

NM_001369.3(DNAH5):c.11357G>A (p.Ser3786Asn)

Genes: DNAH5 (dynein axonemal heavy chain 5; minus strand), LOC107457585 (meiotic recombination hotspot J; plus strand). Cytogenetic location: 5p15.2.
Variant type: single nucleotide variant.
Coding change: c.11357G>A on transcript NM_001369.3 (MANE Select); coding-DNA position 11357, G replaced by A.
Protein change: p.Ser3786Asn; replaces serine 3786 with asparagine.
Molecular consequence: missense variant.
Genome position (GRCh38, 1-based): chr5:13,737,350, C>T on the plus strand (G>A on the coding strand, the complement: DNAH5 is on the minus strand). VCF-style: chr5-13737350-C-T. GRCh37 (hg19) VCF-style: chr5-13737459-C-T.
Other names: short protein forms S3786N.
Identifiers: ClinVar variation 1729482 (VCV001729482.5), dbSNP rs777928542, ClinGen allele CA3201991.
Genomic context (GRCh38, chr5:13,737,350, plus strand): 5'-TCTGTCTCAGCAGAAATTTCTAGCTTCTGTGTCACCTCCTCGGCTGTCCTTTTTGTGTTA[C>T]TCAGCACGACAATGAGACTTTCATCTTCTACCAGGGACCCCTGGGTACTTGTCAGGCGGT-3'
Protein context (NP_001360.1, residues 3776-3796): VEDESLIVVL[Ser3786Asn]NTKRTAEEVT